The following is an entry in ClinVar:

NM_000393.5(COL5A2):c.2609G>C (p.Gly870Ala)

Gene: COL5A2 (collagen type V alpha 2 chain; minus strand). Cytogenetic location: 2q32.2.
Variant type: single nucleotide variant.
Coding change: c.2609G>C on transcript NM_000393.5 (MANE Select); coding-DNA position 2609, G replaced by C.
Protein change: p.Gly870Ala; replaces glycine 870 with alanine.
Molecular consequence: missense variant.
Genome position (GRCh38, 1-based): chr2:189,052,963, C>G on the plus strand (G>C on the coding strand, the complement: COL5A2 is on the minus strand). VCF-style: chr2-189052963-C-G. GRCh37 (hg19) VCF-style: chr2-189917689-C-G.
Other names: short protein forms G870A.
Identifiers: ClinVar variation 5041491 (VCV005041491.1).

ClinVar aggregate classification (germline): Likely pathogenic (1 of 4 stars; one submission).

Submission:

CeGaT Center for Human Genetics Tuebingen
Classification: Likely pathogenic. Last evaluated: 2026-09-01. Review status: criteria provided, single submitter. Criteria: CeGaT Center For Human Genetics Tuebingen Variant Classification Criteria Version 2. Collection method: clinical testing. Allele origin: germline. Affected: yes. Observed: 1 variant allele.
Comment: COL5A2: PM1:Strong, PM2, PP2, PP3